The following is an entry in ClinVar:

NM_000051.4(ATM):c.4436+2T>C

Gene: ATM (ATM serine/threonine kinase; plus strand). Cytogenetic location: 11q22.3.
Variant type: single nucleotide variant.
Coding change: c.4436+2T>C on transcript NM_000051.4 (MANE Select); the canonical splice donor site of the intron after coding-DNA position 4436, T replaced by C.
Molecular consequence: splice donor variant.
Genome position (GRCh38, 1-based): chr11:108,289,803, T>C. VCF-style: chr11-108289803-T-C. GRCh37 (hg19) VCF-style: chr11-108160530-T-C.
Other names: c.4436+2T>C (NM_001351834.2).
Identifiers: ClinVar variation 479040 (VCV000479040.15), dbSNP rs1555097898, ClinGen allele CA382532302.

ClinVar aggregate classification (germline): Pathogenic/Likely pathogenic. Review status: criteria provided, multiple submitters, no conflicts (2 of 4 stars). 4 submissions from 4 submitters: Pathogenic (1); Likely pathogenic (3). Last evaluated 2025-09-08.

Conditions:
Hereditary cancer-predisposing syndrome. Also called: Tumor predisposition; Neoplastic Syndromes, Hereditary; Hereditary Cancer Syndrome; Hereditary neoplastic syndrome. Identifiers: Orphanet 140162, MedGen C0027672, MeSH D009386, MONDO:0015356.
Familial cancer of breast. Also called: BREAST CANCER, FAMILIAL; Hereditary breast cancer; hereditary breast carcinoma. Identifiers: Orphanet 227535, MedGen C0346153, MONDO:0016419, OMIM 114480. Disease mechanism: loss of function.
Ataxia-telangiectasia syndrome (AT). Also called: Cerebello-oculocutaneous telangiectasia; Immunodeficiency with ataxia telangiectasia; ATAXIA-TELANGIECTASIA, COMPLEMENTATION GROUP A; Ataxia-telangiectasia, complementation group D; AT, COMPLEMENTATION GROUP C; ATAXIA-TELANGIECTASIA, FRESNO VARIANT. Identifiers: Orphanet 100, MedGen C0004135, MONDO:0008840, OMIM 208900.

gnomAD v4.1: 8 of 1,610,902 alleles (0.0005%); highest among the groups gnomAD compares: Non-Finnish European, 0.00068%; no homozygotes.

Submissions (4):

Ambry Genetics
Classification: Likely pathogenic for Hereditary cancer-predisposing syndrome. Last evaluated: 2025-09-08. Review status: criteria provided, single submitter. Criteria: Ambry Variant Classification Scheme 2023. Collection method: clinical testing. Allele origin: germline.
Comment: The c.4436+2T>C intronic variant results from a T to C substitution two nucleotides after coding exon 28 in the ATM gene. This nucleotide position is highly conserved in available vertebrate species. In silico splice site analysis predicts that this alteration will weaken the native splice donor site. RNA studies have demonstrated that this alteration results in abnormal splicing in the set of samples tested (Ambry internal data). Based on the majority of available evidence to date, this variant is likely to be pathogenic.

Myriad Genetics, Inc.
Classification: Likely pathogenic for Familial cancer of breast. Last evaluated: 2025-06-04. Review status: criteria provided, single submitter. Criteria: Myriad Autosomal Dominant, Autosomal Recessive and X-Linked Classification Criteria (2023). Collection method: clinical testing. Allele origin: unknown.
Comment: This variant is considered likely pathogenic. This variant occurs within a consensus splice junction and is predicted to result in abnormal mRNA splicing of either an out-of-frame exon or an in-frame exon necessary for protein stability and/or normal function.

Labcorp Genetics (formerly Invitae), Labcorp
Classification: Pathogenic for Ataxia-telangiectasia syndrome. Last evaluated: 2022-07-26. Review status: criteria provided, single submitter. Criteria: Invitae Variant Classification Sherloc (09022015). Collection method: clinical testing. Allele origin: germline.
Comment: This sequence change affects a donor splice site in intron 29 of the ATM gene. It is expected to disrupt RNA splicing. Variants that disrupt the donor or acceptor splice site typically lead to a loss of protein function (PMID: 16199547), and loss-of-function variants in ATM are known to be pathogenic (PMID: 23807571, 25614872). For these reasons, this variant has been classified as Pathogenic. Algorithms developed to predict the effect of sequence changes on RNA splicing suggest that this variant may disrupt the consensus splice site. ClinVar contains an entry for this variant (Variation ID: 479040). Disruption of this splice site has been observed in individual(s) with clinical features of Ataxia-Telangiectasia (Invitae). In at least one individual the data is consistent with being in trans (on the opposite chromosome) from a pathogenic variant. This variant is not present in population databases (gnomAD no frequency).

Color Diagnostics, LLC DBA Color Health
Classification: Likely pathogenic for Hereditary cancer-predisposing syndrome. Last evaluated: 2022-06-15. Review status: criteria provided, single submitter. Criteria: ACMG Guidelines, 2015. Collection method: clinical testing. Allele origin: germline.
Comment: This variant causes a T to C nucleotide substitution at the +2 position of intron 29 of the ATM gene. Splice site prediction tools predict that this variant may have a significant impact on RNA splicing. Although this prediction has not been confirmed in published RNA studies, this variant is expected to result in an absent or disrupted protein product. A variant at this splice site has been reported in the compound heterozygous state in at least one individual affected with ataxia-telangiectasia (ClinVar variation ID: 479040). This variant has not been identified in the general population by the Genome Aggregation Database (gnomAD). Loss of ATM function is a known mechanism of disease. Based on the available evidence, this variant is classified as Likely Pathogenic.

Literature cited by the submitters: PubMed 16199547 (cited by Labcorp Genetics (formerly Invitae), Labcorp); PubMed 23807571 (cited by Labcorp Genetics (formerly Invitae), Labcorp); PubMed 25614872 (cited by Labcorp Genetics (formerly Invitae), Labcorp).